The following is an entry in ClinVar:

NM_000143.4(FH):c.1263del (p.Arg421fs)

Gene: FH (fumarate hydratase; minus strand). Cytogenetic location: 1q43.
Variant type: Deletion.
Coding change: c.1263del on transcript NM_000143.4 (MANE Select); coding-DNA position 1263, one base deleted (G; older notation c.1263delG).
Protein change: p.Arg421fs; shifts the reading frame from arginine 421.
Molecular consequence: frameshift variant.
Genome position (GRCh38, 1-based): chr1:241,500,564, C deleted on the plus strand (G on the coding strand, the reverse complement: FH is on the minus strand); the first of 2 consecutive C bases (chr1:241,500,564-241,500,565); deleting either gives the same sequence. VCF-style (leftmost placement, unchanged base first): chr1-241500563-GC-G. GRCh37 (hg19) VCF-style: chr1-241663863-GC-G.
Other names: c.1263delG (NM_000143.3); short protein forms R421fs.
Identifiers: ClinVar variation 214402 (VCV000214402.1), dbSNP rs863223989, ClinGen allele CA320847.

ClinVar aggregate classification (germline): Pathogenic (1 of 4 stars; one submission).

Submission:

GeneDx
Classification: Pathogenic. Last evaluated: 2014-01-15. Review status: criteria provided, single submitter. Criteria: GeneDx Variant Classification (06012015). Collection method: clinical testing. Allele origin: germline. Affected: yes.
Comment: The c.1263delG mutation in the FH gene causes a frameshift starting with codon Arginine 421, changes this amino acid to a Serine residue and creates a premature Stop codon at position 28 of the new reading frame, denoted p.Arg421SerfsX28. This mutation is predicted to cause loss of normal protein function through protein truncation. Specifically, the last 90 correct residues are lost and replaced by 27 incorrect residues. Although this mutation has not been previously reported to our knowledge, its presence is consistent with a diagnosis of HLRCC. The variant is found in FH panel(s).